The following is an entry in ClinVar:

ClinVar aggregate classification (germline): Uncertain significance (1 of 4 stars; one submission).

Conditions:
Disseminated atypical mycobacterial infection. Identifiers: MedGen C0694566.

Allele frequency attached by ClinVar (database versions not stated): gnomAD 0.00001.
gnomAD v4.1: 24 of 1,613,642 alleles (0.0015%); highest among the groups gnomAD compares: Non-Finnish European, 0.0019%; no homozygotes.

Submission:

Labcorp Genetics (formerly Invitae), Labcorp
Classification: Uncertain significance for Disseminated atypical mycobacterial infection. Last evaluated: 2023-02-08. Review status: criteria provided, single submitter. Criteria: Invitae Variant Classification Sherloc (09022015). Collection method: clinical testing. Allele origin: germline.
Comment: This sequence change replaces glutamic acid, which is acidic and polar, with alanine, which is neutral and non-polar, at codon 218 of the IFNGR1 protein (p.Glu218Ala). In summary, the available evidence is currently insufficient to determine the role of this variant in disease. Therefore, it has been classified as a Variant of Uncertain Significance. Advanced modeling of protein sequence and biophysical properties (such as structural, functional, and spatial information, amino acid conservation, physicochemical variation, residue mobility, and thermodynamic stability) performed at Invitae indicates that this missense variant is not expected to disrupt IFNGR1 protein function. This variant has not been reported in the literature in individuals affected with IFNGR1-related conditions. This variant is present in population databases (no rsID available, gnomAD 0.0009%).

NM_000416.3(IFNGR1):c.653A>C (p.Glu218Ala)

Gene: IFNGR1 (interferon gamma receptor 1; minus strand). Cytogenetic location: 6q23.3.
Variant type: single nucleotide variant.
Coding change: c.653A>C on transcript NM_000416.3 (MANE Select); coding-DNA position 653, A replaced by C.
Protein change: p.Glu218Ala; replaces glutamic acid 218 with alanine.
Molecular consequence: missense variant.
Genome position (GRCh38, 1-based): chr6:137,203,579, T>G on the plus strand (A>C on the coding strand, the complement: IFNGR1 is on the minus strand). VCF-style: chr6-137203579-T-G. GRCh37 (hg19) VCF-style: chr6-137524716-T-G.
Other names: c.623A>C, p.Glu208Ala (NM_001363526.1); c.530A>C, p.Glu177Ala (NM_001363527.1); short protein forms E208A, E218A, E177A.
Identifiers: ClinVar variation 2746561 (VCV002746561.3), dbSNP rs889654179, ClinGen allele CA148229018.